The following is an entry in ClinVar:

ClinVar aggregate classification (germline): Uncertain significance (1 of 4 stars; one submission).

Allele frequency attached by ClinVar (database versions not stated): TOPMed below 0.00001; gnomAD 0.00001; gnomAD exomes 0.00001.
gnomAD v4.1: 11 of 1,614,044 alleles (0.00068%); highest among the groups gnomAD compares: South Asian, 0.0033%; no homozygotes.

Submission:

Labcorp Genetics (formerly Invitae), Labcorp
Classification: Uncertain significance. Last evaluated: 2024-01-06. Review status: criteria provided, single submitter. Criteria: Invitae Variant Classification Sherloc (09022015). Collection method: clinical testing. Allele origin: germline.
Comment: This sequence change replaces arginine, which is basic and polar, with lysine, which is basic and polar, at codon 728 of the ALPK1 protein (p.Arg728Lys). This variant is present in population databases (no rsID available, gnomAD 0.003%). This variant has not been reported in the literature in individuals affected with ALPK1-related conditions. Advanced modeling of protein sequence and biophysical properties (such as structural, functional, and spatial information, amino acid conservation, physicochemical variation, residue mobility, and thermodynamic stability) performed at Invitae indicates that this missense variant is not expected to disrupt ALPK1 protein function with a negative predictive value of 80%. Algorithms developed to predict the effect of sequence changes on RNA splicing suggest that this variant may create or strengthen a splice site. In summary, the available evidence is currently insufficient to determine the role of this variant in disease. Therefore, it has been classified as a Variant of Uncertain Significance.

NM_025144.4(ALPK1):c.2183G>A (p.Arg728Lys)

Gene: ALPK1 (alpha kinase 1; plus strand). Cytogenetic location: 4q25.
Variant type: single nucleotide variant.
Coding change: c.2183G>A on transcript NM_025144.4 (MANE Select); coding-DNA position 2183, G replaced by A.
Protein change: p.Arg728Lys; replaces arginine 728 with lysine.
Molecular consequence: missense variant.
Genome position (GRCh38, 1-based): chr4:112,431,730, G>A. VCF-style: chr4-112431730-G-A. GRCh37 (hg19) VCF-style: chr4-113352886-G-A.
Other names: c.2183G>A, p.Arg728Lys (NM_001102406.2); c.1949G>A, p.Arg650Lys (NM_001253884.2); short protein forms R650K, R728K.
Identifiers: ClinVar variation 2720607 (VCV002720607.3), dbSNP rs1349285356, ClinGen allele CA357896966.